The following is an entry in ClinVar:

NM_001142800.2(EYS):c.892T>G (p.Cys298Gly)

Gene: EYS (EGF-like photoreceptor maintenance factor; minus strand). Cytogenetic location: 6q12.
Variant type: single nucleotide variant.
Coding change: c.892T>G on transcript NM_001142800.2 (MANE Select); coding-DNA position 892, T replaced by G.
Protein change: p.Cys298Gly; replaces cysteine 298 with glycine.
Molecular consequence: missense variant.
Genome position (GRCh38, 1-based): chr6:65,405,338, A>C on the plus strand (T>G on the coding strand, the complement: EYS is on the minus strand). VCF-style: chr6-65405338-A-C. GRCh37 (hg19) VCF-style: chr6-66115231-A-C.
Other names: c.892T>G, p.Cys298Gly (NM_001142801.2, NM_001292009.2, NM_198283.2); short protein forms C298G.
Identifiers: ClinVar variation 844235 (VCV000844235.7), dbSNP rs375850148, ClinGen allele CA3877928.
Genomic context (GRCh38, chr6:65,405,338, plus strand): 5'-AAGTATAAGCAGAACTGCTATTTGGGCAAATTCCTCTTTTCCAAAAAAGCAGAGAAACAC[A>C]AGGTTTTGCTGACACCTCACAGAATGGACCTTAAAAAAATCACACACAAGAAAAAAAAAG-3'
Protein context (NP_001136272.1, residues 288-308): GPFCEVSAKP[Cys298Gly]VSLLFWKRGI

ClinVar aggregate classification (germline): Uncertain significance. Review status: criteria provided, multiple submitters, no conflicts (2 of 4 stars). 3 submissions from 3 submitters: Uncertain significance (2). 1 of the submissions does not count toward it. Last evaluated 2025-01-20.

Conditions:
Retinitis pigmentosa 25 (RP25). Identifiers: Orphanet 791, MedGen C1864446, MONDO:0011272, OMIM 602772.

Allele frequency attached by ClinVar (database versions not stated): gnomAD exomes below 0.00001 and 0.00001; ExAC 0.00001; gnomAD 0.00003; TOPMed 0.00006; ESP Exome Variant Server 0.00008.
gnomAD v4.1: 5 of 1,612,930 alleles (0.00031%); highest among the groups gnomAD compares: African/African-American, 0.0053%; no homozygotes.

Submissions (3):

Labcorp Genetics (formerly Invitae), Labcorp
Classification: Uncertain significance. Last evaluated: 2025-01-20. Review status: criteria provided, single submitter. Criteria: Invitae Variant Classification Sherloc (09022015). Collection method: clinical testing. Allele origin: germline.
Comment: This sequence change replaces cysteine, which is neutral and slightly polar, with glycine, which is neutral and non-polar, at codon 298 of the EYS protein (p.Cys298Gly). This variant is present in population databases (rs375850148, gnomAD 0.008%). This variant has not been reported in the literature in individuals affected with EYS-related conditions. ClinVar contains an entry for this variant (Variation ID: 844235). Invitae Evidence Modeling of protein sequence and biophysical properties (such as structural, functional, and spatial information, amino acid conservation, physicochemical variation, residue mobility, and thermodynamic stability) indicates that this missense variant is not expected to disrupt EYS protein function with a negative predictive value of 80%. In summary, the available evidence is currently insufficient to determine the role of this variant in disease. Therefore, it has been classified as a Variant of Uncertain Significance.

Blueprint Genetics
Classification: Uncertain significance. Last evaluated: 2019-09-27. Review status: criteria provided, single submitter. Criteria: ACMG Guidelines, 2015. Collection method: clinical testing. Allele origin: germline.

Natera, Inc.
Classification: Uncertain significance for Retinitis pigmentosa type 25. Last evaluated: 2020-03-10. Review status: no assertion criteria provided. Collection method: clinical testing. Allele origin: germline. Not counted in ClinVar's aggregate classification.